The following is an entry in ClinVar:

NM_000264.5(PTCH1):c.1433C>T (p.Ala478Val)

Gene: PTCH1 (patched 1; minus strand). Cytogenetic location: 9q22.32.
Variant type: single nucleotide variant.
Coding change: c.1433C>T on transcript NM_000264.5 (MANE Select); coding-DNA position 1433, C replaced by T.
Protein change: p.Ala478Val; replaces alanine 478 with valine.
Molecular consequence: missense variant. On other transcripts: non-coding transcript variant (1), intron variant (1).
Genome position (GRCh38, 1-based): chr9:95,477,617, G>A on the plus strand (C>T on the coding strand, the complement: PTCH1 is on the minus strand). VCF-style: chr9-95477617-G-A. GRCh37 (hg19) VCF-style: chr9-98239899-G-A.
Other names: c.980C>T, p.Ala327Val (NM_001083604.3, NM_001083605.3, NM_001083606.3 and 1 more transcripts); c.1235C>T, p.Ala412Val (NM_001083602.3); c.1430C>T, p.Ala477Val (NM_001083603.3); c.1347+438C>T (NM_001354918.2); short protein forms A477V, A478V, A327V, A412V.
Identifiers: ClinVar variation 2888054 (VCV002888054.3), dbSNP rs2538205247, ClinGen allele CA374118511.
Genomic context (GRCh38, chr9:95,477,617, plus strand): 5'-GCAGCGTTAAAGGAAATTCCGATCAATGAGCACAGGCCCAGTCCTGCAGCCACTGACAGT[G>A]CAACCAGCAGGACGCCAGCCAGCCCCACGGCACCCTGGGACTTGGAGCAGTCCCAGCGCA-3'
Protein context (NP_000255.2, residues 468-488): AVGLAGVLLV[Ala478Val]LSVAAGLGLC

ClinVar aggregate classification (germline): Uncertain significance (1 of 4 stars; one submission).

Conditions:
Gorlin syndrome. Also called: Nevoid Basal Cell Carcinoma Syndrome; Basal cell nevus syndrome. Identifiers: Orphanet 377, MedGen C0004779, MONDO:0007187.

Submission:

Labcorp Genetics (formerly Invitae), Labcorp
Classification: Uncertain significance for Gorlin syndrome. Last evaluated: 2024-08-04. Review status: criteria provided, single submitter. Criteria: Invitae Variant Classification Sherloc (09022015). Collection method: clinical testing. Allele origin: germline.
Comment: This sequence change replaces alanine, which is neutral and non-polar, with valine, which is neutral and non-polar, at codon 478 of the PTCH1 protein (p.Ala478Val). This variant is not present in population databases (gnomAD no frequency). This variant has not been reported in the literature in individuals affected with PTCH1-related conditions. Advanced modeling of protein sequence and biophysical properties (such as structural, functional, and spatial information, amino acid conservation, physicochemical variation, residue mobility, and thermodynamic stability) performed at Invitae indicates that this missense variant is not expected to disrupt PTCH1 protein function with a negative predictive value of 95%. In summary, the available evidence is currently insufficient to determine the role of this variant in disease. Therefore, it has been classified as a Variant of Uncertain Significance.